The following is an entry in ClinVar:

ClinVar aggregate classification (germline): Conflicting classifications of pathogenicity. Review status: criteria provided, conflicting classifications (1 of 4 stars). 3 submissions from 3 submitters: Uncertain significance (2); Benign (1). Last evaluated 2026-01-18.

Conditions:
Tuberous sclerosis 2 (TSC2). Identifiers: Orphanet 805, MedGen C1860707, MONDO:0013199, OMIM 613254.
Isolated focal cortical dysplasia type II (FCORD2). Also called: Focal cortical dysplasia type II; CORTICAL DYSPLASIA OF TAYLOR. Identifiers: Orphanet 268994, MedGen C1846385, MONDO:0011818, OMIM 607341, HP:0032051.
Lymphangiomyomatosis (LAM). Also called: Lymphangioleiomyomatosis, somatic; Lymphangioleiomyomatosis. Identifiers: Orphanet 538, MedGen C0751674, MONDO:0011705, OMIM 606690.
Hereditary cancer-predisposing syndrome. Also called: Neoplastic Syndromes, Hereditary; Hereditary neoplastic syndrome; Tumor predisposition; Hereditary Cancer Syndrome. Identifiers: Orphanet 140162, MedGen C0027672, MeSH D009386, MONDO:0015356.

Allele frequency attached by ClinVar (database versions not stated): gnomAD 0.00001; TOPMed 0.00001.
gnomAD v4.1: 2 of 1,583,976 alleles (0.00013%); highest among the groups gnomAD compares: East Asian, 0.0023%; no homozygotes.

Submissions (3):

Ambry Genetics
Classification: Uncertain significance for Hereditary cancer-predisposing syndrome. Last evaluated: 2026-01-18. Review status: criteria provided, single submitter. Criteria: Ambry Variant Classification Scheme 2023. Collection method: clinical testing. Allele origin: germline.
Comment: The p.V78A variant (also known as c.233T>C), located in coding exon 3 of the TSC2 gene, results from a T to C substitution at nucleotide position 233. The valine at codon 78 is replaced by alanine, an amino acid with similar properties. This amino acid position is conserved. In addition, the in silico prediction for this alteration is inconclusive. Based on the available evidence, the clinical significance of this variant remains unclear.

Labcorp Genetics (formerly Invitae), Labcorp
Classification: Benign for Tuberous sclerosis 2. Last evaluated: 2025-04-28. Review status: criteria provided, single submitter. Criteria: Invitae Variant Classification Sherloc (09022015). Collection method: clinical testing. Allele origin: germline.

Fulgent Genetics
Classification: Uncertain significance for Lymphangiomyomatosis; Isolated focal cortical dysplasia type II; Tuberous sclerosis 2. Last evaluated: 2021-07-08. Review status: criteria provided, single submitter. Criteria: ACMG Guidelines, 2015. Collection method: clinical testing. Allele origin: unknown.

NM_000548.5(TSC2):c.233T>C (p.Val78Ala)

Gene: TSC2 (TSC complex subunit 2; plus strand). Cytogenetic location: 16p13.3.
Variant type: single nucleotide variant.
Coding change: c.233T>C on transcript NM_000548.5 (MANE Select); coding-DNA position 233, T replaced by C.
Protein change: p.Val78Ala; replaces valine 78 with alanine.
Molecular consequence: missense variant. On other transcripts: intron variant (2).
Genome position (GRCh38, 1-based): chr16:2,053,349, T>C. VCF-style: chr16-2053349-T-C. GRCh37 (hg19) VCF-style: chr16-2103350-T-C.
Other names: c.233T>C, p.Val78Ala (NM_001077183.3, NM_001114382.3, NM_001363528.2 and 3 more transcripts); c.86T>C, p.Val29Ala (NM_001318829.2); c.266T>C, p.Val89Ala (NM_001318832.2); c.226-947T>C (NM_001318827.2); c.-1-2847T>C (NM_001318831.2); short protein forms V78A, V89A, V29A.
Identifiers: ClinVar variation 642759 (VCV000642759.11), dbSNP rs1163221525, ClinGen allele CA394305430.
Genomic context (GRCh38, chr16:2,053,349, plus strand): 5'-GCCAGGGTTCTTGGAGAGCACATCCTCACCGCTGTCCCCTCTGCTGGTGACAGCACGCAG[T>C]GGAAGCACTCTGGAAGGCGGTCGCGGATCTGTTGCAGCCGGAGCGGCCGCTGGAGGCCCG-3'
Protein context (NP_000539.2, residues 68-88): AKTKKFEEHA[Val78Ala]EALWKAVADL